The following is an entry in ClinVar:

ClinVar aggregate classification (germline): Uncertain significance. Review status: criteria provided, single submitter (1 of 4 stars). 2 submissions from 2 submitters: Uncertain significance (1). 1 of the submissions does not count toward it. Last evaluated 2021-10-26.

Conditions:
BLTP1-related disorder. Also called: BLTP1-related condition.

Allele frequency attached by ClinVar (database versions not stated): ESP Exome Variant Server 0.00008; gnomAD 0.00015.
gnomAD v4.1: 232 of 1,611,058 alleles (0.014%); highest among the groups gnomAD compares: Admixed American, 0.044%; no homozygotes.

Submissions (2):

Ambry Genetics
Classification: Uncertain significance. Last evaluated: 2021-10-26. Review status: criteria provided, single submitter. Criteria: Ambry Variant Classification Scheme 2023. Collection method: clinical testing. Allele origin: germline.

PreventionGenetics, part of Exact Sciences
Classification: Uncertain significance for BLTP1-related condition. Last evaluated: 2024-01-13. Review status: no assertion criteria provided. Collection method: clinical testing. Allele origin: germline. Not counted in ClinVar's aggregate classification.
Comment: The BLTP1 c.11078G>C variant is predicted to result in the amino acid substitution p.Cys3693Ser. To our knowledge, this variant has not been reported in the literature. This variant is reported in 0.045% of alleles in individuals of Latino descent in gnomAD. At this time, the clinical significance of this variant is uncertain due to the absence of conclusive functional and genetic evidence.

NM_001384125.1(BLTP1):c.11342G>C (p.Cys3781Ser)

Gene: BLTP1 (bridge-like lipid transfer protein family member 1; plus strand). Cytogenetic location: 4q27.
Variant type: single nucleotide variant.
Coding change: c.11342G>C on transcript NM_001384125.1 (MANE Select); coding-DNA position 11342, G replaced by C.
Protein change: p.Cys3781Ser; replaces cysteine 3781 with serine.
Molecular consequence: missense variant.
Genome position (GRCh38, 1-based): chr4:122,328,186, G>C. VCF-style: chr4-122328186-G-C. GRCh37 (hg19) VCF-style: chr4-123249341-G-C.
Other names: c.11078G>C, p.Cys3693Ser (NM_015312.4); short protein forms C3693S, C3781S.
Identifiers: ClinVar variation 3057929 (VCV003057929.3), dbSNP rs200450013, ClinGen allele CA3067738.
Genomic context (GRCh38, chr4:122,328,186, plus strand): 5'-ACCTTTTGTCAGTAACCATTGAAGGTCCATCCCATTATTCATCAAATAGTGAAGGATCAT[G>C]TTCTGTGTTCAGTTCTCCCAAAACTCCAGGAGGCTTTTCACCAGGCATTCCTTTCCAAAC-3'
Protein context (NP_001371054.1, residues 3771-3791): SHYSSNSEGS[Cys3781Ser]SVFSSPKTPG